The following is an entry in ClinVar:

NM_005787.6(ALG3):c.566T>C (p.Leu189Pro)

Gene: ALG3 (ALG3 alpha-1,3- mannosyltransferase; minus strand). Cytogenetic location: 3q27.1.
Variant type: single nucleotide variant.
Coding change: c.566T>C on transcript NM_005787.6 (MANE Select); coding-DNA position 566, T replaced by C.
Protein change: p.Leu189Pro; replaces leucine 189 with proline.
Molecular consequence: missense variant. On other transcripts: non-coding transcript variant (2).
Genome position (GRCh38, 1-based): chr3:184,245,237, A>G on the plus strand (T>C on the coding strand, the complement: ALG3 is on the minus strand). VCF-style: chr3-184245237-A-G. GRCh37 (hg19) VCF-style: chr3-183963025-A-G.
Other names: c.422T>C, p.Leu141Pro (NM_001006941.2); short protein forms L141P, L189P.
Identifiers: ClinVar variation 4082581 (VCV004082581.1).

ClinVar aggregate classification (germline): Likely pathogenic (1 of 4 stars; one submission).

Submission:

GeneDx
Classification: Likely pathogenic. Last evaluated: 2025-03-04. Review status: criteria provided, single submitter. Criteria: GeneDx Variant Classification Process June 2021. Collection method: clinical testing. Allele origin: germline. Affected: yes.
Comment: Not observed at significant frequency in large population cohorts (gnomAD); In silico analysis supports that this missense variant has a deleterious effect on protein structure/function; Has not been previously published as pathogenic or benign to our knowledge